The following is an entry in ClinVar:

ClinVar aggregate classification (germline): Likely pathogenic (1 of 4 stars; one submission).

Conditions:
Diaphragmatic hernia 3 (DIH3). Identifiers: Orphanet 2140, MedGen C1857781, MONDO:0012431, OMIM 610187.

Submission:

Women's Health and Genetics/Laboratory Corporation of America, LabCorp
Classification: Likely pathogenic for Diaphragmatic hernia 3. Last evaluated: 2026-05-22. Review status: criteria provided, single submitter. Criteria: LabCorp Variant Classification Summary - May 2015. Collection method: clinical testing. Allele origin: germline.
Comment: Variant summary: The variant involves the duplication of exon 4 in the ZFPM2 gene. It is assumed to be a tandem duplication in direct orientation (PMIDs: 25640679, 30054569). A presumed nomenclature of c.(301+1_302-1)_(420+1_421-1)dup has been designated for the purposes of this classification. This Copy Number Variant (CNV) is expected to alter the reading frame and predicted to result in a truncation or absence of the encoded protein due to nonsense mediated decay (NMD). Loss-of-function variants in this gene are known to be pathogenic. The variant was absent in 21694 control chromosomes. To our knowledge, no occurrence of c.(301+1_302-1)_(420+1_421-1)dup in individuals affected with ZFPM2-related conditions and no experimental evidence demonstrating its impact on protein function have been reported. No submitters have cited clinical-significance assessments for this variant to ClinVar. Based on the evidence outlined above, the variant was classified as likely pathogenic.

NC_000008.10:g.(106456610_106573590)_(106573710_106646473)dup

Gene: ZFPM2 (zinc finger protein, FOG family member 2; plus strand). Cytogenetic location: 8q23.1.
Variant type: Duplication.
Identifiers: ClinVar variation 4853701 (VCV004853701.1).